The following is an entry in ClinVar:

ClinVar aggregate classification (germline): Uncertain significance (1 of 4 stars; one submission).

Submission:

Labcorp Genetics (formerly Invitae), Labcorp
Classification: Uncertain significance. Last evaluated: 2025-04-29. Review status: criteria provided, single submitter. Criteria: Invitae Variant Classification Sherloc (09022015). Collection method: clinical testing. Allele origin: germline.
Comment: This variant, c.116_124del, results in the deletion of 3 amino acid(s) of the ATP6AP1 protein (p.Ala39_Ala41del), but otherwise preserves the integrity of the reading frame. This variant is present in population databases (no rsID available, gnomAD 0.02%), including at least one homozygous and/or hemizygous individual. This variant has not been reported in the literature in individuals affected with ATP6AP1-related conditions. Experimental studies and prediction algorithms are not available or were not evaluated, and the functional significance of this variant is currently unknown. In summary, the available evidence is currently insufficient to determine the role of this variant in disease. Therefore, it has been classified as a Variant of Uncertain Significance.

NM_001183.6(ATP6AP1):c.116_124del (p.Ala39_Ala41del)

Gene: ATP6AP1 (ATPase H+ transporting accessory protein 1; plus strand). Cytogenetic location: Xq28.
Variant type: Deletion.
Coding change: c.116_124del on transcript NM_001183.6 (MANE Select); coding-DNA positions 116 to 124, 9 bases deleted (CAGCGGCGG; older notation c.116_124delCAGCGGCGG).
Protein change: p.Ala39_Ala41del.
Genome position (GRCh38, 1-based): chrX:154,428,808-154,428,816, CAGCGGCGG deleted; deleting any 9 consecutive bases within chrX:154,428,801-154,428,816 gives the same sequence; the c. name uses the placement nearest the transcript's 3' end. VCF-style (leftmost placement, unchanged base first): chrX-154428800-GGCGGCGGCA-G. GRCh37 (hg19) VCF-style: chrX-153657146-GGCGGCGGCA-G.
Identifiers: ClinVar variation 4781945 (VCV004781945.1).
Genomic context (GRCh38, chrX:154,428,800, plus strand): 5'-CGCCCAGGCGCTCTGGCGCATGCCGTGGCTGCCGGTGTTTTTGTCGTTGGCGGCGGCGGC[GGCGGCGGCA>G]GCGGCGGAGCAGCAGGTCCCGCTGGTGCTGTGGTCGAGTGACCGGTGAGCGGGCCGGGGT-3'